The following is an entry in ClinVar:

ClinVar aggregate classification (germline): Pathogenic. Review status: reviewed by expert panel (3 of 4 stars). 9 submissions from 9 submitters: Pathogenic (1). 8 of the submissions do not count toward it. Last evaluated 2017-03-17.

Conditions:
Cystic fibrosis (CF). Also called: MUCOVISCIDOSIS. Identifiers: Orphanet 586, MedGen C0010674, MONDO:0009061, OMIM 219700. Disease mechanism: loss of function.
Congenital bilateral aplasia of vas deferens from CFTR mutation (CBAVD). Identifiers: Orphanet 48, MedGen C0403814, MONDO:0010178, OMIM 277180. Disease mechanism: loss of function.
Hereditary pancreatitis (PCTT). Also called: Hereditary chronic pancreatitis; PRSS1-Related Hereditary Pancreatitis. Identifiers: Orphanet 676, MedGen C0238339, MONDO:0008185, OMIM 167800.
Bronchiectasis with or without elevated sweat chloride 1 (BESC1). Also called: Cystic Fibrosis-Like Syndrome. Identifiers: Orphanet 60033, MedGen C2749757, MONDO:0008887, OMIM 211400.

Submissions (9):

CFTR2
Classification: Pathogenic for Cystic fibrosis. Last evaluated: 2017-03-17. Review status: reviewed by expert panel. Criteria: Sosnay PR et al. (Nat Genet 2013). Collection method: research. Allele origin: germline. Affected: yes. Study: CFTR2.

Ambry Genetics
Classification: Pathogenic for Cystic fibrosis. Last evaluated: 2025-12-22. Review status: criteria provided, single submitter. Criteria: Ambry Variant Classification Scheme 2023. Collection method: clinical testing. Allele origin: germline. Not counted in ClinVar's aggregate classification.
Comment: The c.1692delA (p.D565Mfs*7) alteration, located in exon 13 (coding exon 13) of the CFTR gene, consists of a deletion of one nucleotide at position 1692, causing a translational frameshift with a predicted alternate stop codon after 7 amino acids. This alteration is expected to result in loss of function by premature protein truncation or nonsense-mediated mRNA decay. Based on data from gnomAD, the c.1692delA allele has an overall frequency of 0.001% (3/250388) total alleles studied. The highest observed frequency was 0.019% (3/16144) of African alleles. Based on the available evidence, this alteration is classified as pathogenic.

Women's Health and Genetics/Laboratory Corporation of America, LabCorp
Classification: Pathogenic for Cystic fibrosis. Last evaluated: 2023-05-31. Review status: criteria provided, single submitter. Criteria: LabCorp Variant Classification Summary - May 2015. Collection method: clinical testing. Allele origin: germline. Not counted in ClinVar's aggregate classification.
Comment: Variant summary: CFTR c.1692delA (p.Asp565MetfsX7) results in a premature termination codon, predicted to cause absence of the protein due to nonsense mediated decay, which is a commonly known mechanism for disease. The variant allele was found at a frequency of 1.2e-05 in 250388 control chromosomes (gnomAD). c.1692delA has been reported in the literature in individuals affected with Cystic Fibrosis (Kharrazi_2015, Raraigh_2022). These data indicate that the variant is likely associated with disease. The following publications have been ascertained in the context of this evaluation (PMID: 26574590, 34782259). Seven submitters, including an expert panel, have provided clinical-significance assessments for this variant to ClinVar after 2014, and classified it as pathogenic. Based on the evidence outlined above, the variant was classified as pathogenic.

Labcorp Genetics (formerly Invitae), Labcorp
Classification: Pathogenic for Cystic fibrosis. Last evaluated: 2023-04-13. Review status: criteria provided, single submitter. Criteria: Invitae Variant Classification Sherloc (09022015). Collection method: clinical testing. Allele origin: germline. Not counted in ClinVar's aggregate classification.
Comment: For these reasons, this variant has been classified as Pathogenic. ClinVar contains an entry for this variant (Variation ID: 35831). This premature translational stop signal has been observed in individual(s) with a positive newborn screening result for CFTR-related disease (PMID: 26574590). This variant is present in population databases (rs753782103, gnomAD 0.01%). This sequence change creates a premature translational stop signal (p.Asp565Metfs*7) in the CFTR gene. It is expected to result in an absent or disrupted protein product. Loss-of-function variants in CFTR are known to be pathogenic (PMID: 1695717, 7691345, 9725922).

Fulgent Genetics
Classification: Pathogenic for Hereditary pancreatitis; Bronchiectasis with or without elevated sweat chloride 1; Cystic fibrosis; Congenital bilateral aplasia of vas deferens from CFTR mutation. Last evaluated: 2022-05-31. Review status: criteria provided, single submitter. Criteria: ACMG Guidelines, 2015. Collection method: clinical testing. Allele origin: unknown. Not counted in ClinVar's aggregate classification.

GeneDx
Classification: Pathogenic. Last evaluated: 2022-04-02. Review status: criteria provided, single submitter. Criteria: GeneDx Variant Classification Process June 2021. Collection method: clinical testing. Allele origin: germline. Affected: yes. Not counted in ClinVar's aggregate classification.
Comment: Frameshift variant predicted to result in protein truncation or nonsense mediated decay in a gene for which loss of function is a known mechanism of disease; This variant is associated with the following publications: (PMID: 26574590)

Mayo Clinic Laboratories, Mayo Clinic
Classification: Pathogenic. Last evaluated: 2019-11-25. Review status: criteria provided, single submitter. Criteria: ACMG Guidelines, 2015. Collection method: clinical testing. Allele origin: germline. Observed: 1 variant allele. Not counted in ClinVar's aggregate classification.
Comment: PVS1, PM2, PP5

Quest Diagnostics Nichols Institute San Juan Capistrano
Classification: Pathogenic. Last evaluated: 2016-12-20. Review status: criteria provided, single submitter. Criteria: Quest Diagnostics criteria. Collection method: clinical testing. Allele origin: germline. Not counted in ClinVar's aggregate classification.

Baylor Genetics
Classification: Pathogenic for Congenital bilateral aplasia of vas deferens from CFTR mutation; Cystic fibrosis. Review status: criteria provided, single submitter. Criteria: ACMG Guidelines, 2015. Collection method: clinical testing. Allele origin: germline. Not counted in ClinVar's aggregate classification.

Literature cited by the submitters: PubMed 26574590 (cited by 3 submitters); PubMed 34782259 (cited by Women's Health and Genetics/Laboratory Corporation of America, LabCorp); PubMed 1695717 (cited by Labcorp Genetics (formerly Invitae), Labcorp); PubMed 7691345 (cited by Labcorp Genetics (formerly Invitae), Labcorp); PubMed 9725922 (cited by Labcorp Genetics (formerly Invitae), Labcorp).

NM_000492.4(CFTR):c.1692del (p.Asp565fs)

Gene: CFTR (CF transmembrane conductance regulator; plus strand). Cytogenetic location: 7q31.2.
Variant type: Deletion.
Coding change: c.1692del on transcript NM_000492.4 (MANE Select); coding-DNA position 1692, one base deleted (A; older notation c.1692delA).
Protein change: p.Asp565fs; shifts the reading frame from aspartic acid 565.
Molecular consequence: frameshift variant.
Genome position (GRCh38, 1-based): chr7:117,590,365, A deleted; the last of 3 consecutive A bases (chr7:117,590,363-117,590,365); deleting any one gives the same sequence. VCF-style (leftmost placement, unchanged base first): chr7-117590362-CA-C. GRCh37 (hg19) VCF-style: chr7-117230416-CA-C.
Other names: 1824delA; c.1692delA (NM_000492.3).
Identifiers: ClinVar variation 35831 (VCV000035831.20), dbSNP rs193922505, ClinGen allele CA325695.